The following is an entry in ClinVar:

NM_001386795.1(DTNA):c.2163-137A>G

Gene: DTNA (dystrobrevin alpha; plus strand). Cytogenetic location: 18q12.1.
Variant type: single nucleotide variant.
Coding change: c.2163-137A>G on transcript NM_001386795.1 (MANE Select); 137 bases into the intron before coding-DNA position 2163, A replaced by G.
Molecular consequence: intron variant.
Genome position (GRCh38, 1-based): chr18:34,881,932, A>G. VCF-style: chr18-34881932-A-G. GRCh37 (hg19) VCF-style: chr18-32461896-A-G.
Other names: c.1911-137A>G (NM_032975.4, NM_001386761.1); c.1908-137A>G (NM_001386762.1); c.1992-137A>G (NM_001386754.1, NM_001386755.1, NM_001386757.1 and 3 more transcripts); c.1989-137A>G (NM_001386760.1); c.1902-137A>G (NM_001386763.1, NM_001386764.1, NM_001198940.2 and 5 more transcripts); c.1899-137A>G (NM_001386768.1, NM_001386769.1); c.1923-137A>G (NM_001198939.2); c.2163-137A>G (NM_001386788.1); and 5 more.
Identifiers: ClinVar variation 672662 (VCV000672662.2), dbSNP rs623966, ClinGen allele CA14559794.
Genomic context (GRCh38, chr18:34,881,932, plus strand): 5'-ATACCTTGATCATATATCGCTTCAAACCTCCAAAATGTTTCCAAGTTTTTTTTAGGTATT[A>G]CTAAAGAAGACATGAAAGTGACTTGGAGAACTAAGGGGAAATAAAGGTGCCAACGAAACT-3'

ClinVar aggregate classification (germline): Benign. Review status: criteria provided, multiple submitters, no conflicts (2 of 4 stars). 2 submissions from 2 submitters: Benign (2). Last evaluated 2018-06-15.

Allele frequency attached by ClinVar (database versions not stated): gnomAD exomes 0.18308; 1000 Genomes Project 0.19329; 1000 Genomes Project 30x 0.19753; gnomAD 0.21976 and 0.22610; TOPMed 0.22656.
gnomAD v4.1: 218,879 of 1,163,812 alleles (19%); highest among the groups gnomAD compares: African/African-American, 36%; 23,052 homozygotes.

Submissions (2):

GeneDx
Classification: Benign. Last evaluated: 2018-06-15. Review status: criteria provided, single submitter. Criteria: GeneDx Variant Classification (06012015). Collection method: clinical testing. Allele origin: germline. Affected: yes.
Comment: This variant is considered likely benign or benign based on one or more of the following criteria: it is a conservative change, it occurs at a poorly conserved position in the protein, it is predicted to be benign by multiple in silico algorithms, and/or has population frequency not consistent with disease.

Breakthrough Genomics
Classification: Benign. Review status: criteria provided, single submitter. Criteria: ACMG Guidelines, 2015. Collection method: not provided. Allele origin: germline. Inheritance: Autosomal dominant inheritance. Affected: yes.